The following is an entry in ClinVar:

NM_000373.4(UMPS):c.703A>G (p.Arg235Gly)

Gene: UMPS (uridine monophosphate synthetase; plus strand). Cytogenetic location: 3q21.2.
Variant type: single nucleotide variant.
Coding change: c.703A>G on transcript NM_000373.4 (MANE Select); coding-DNA position 703, A replaced by G.
Protein change: p.Arg235Gly; replaces arginine 235 with glycine.
Molecular consequence: missense variant. On other transcripts: non-coding transcript variant (2).
Genome position (GRCh38, 1-based): chr3:124,737,960, A>G. VCF-style: chr3-124737960-A-G. GRCh37 (hg19) VCF-style: chr3-124456807-A-G.
Other names: short protein forms R235G.
Identifiers: ClinVar variation 844353 (VCV000844353.11), dbSNP rs2063529251, ClinGen allele CA354276254.
Genomic context (GRCh38, chr3:124,737,960, plus strand): 5'-CCCCTTTCTATAAAGGAAGCACCCAAAGAACTCAGCTTCGGTGCACGTGCAGAGCTGCCC[A>G]GGATCCACCCAGTTGCATCGAAGCTTCTCAGGCTTATGCAAAAGAAGGAGACCAATCTGT-3'
Protein context (NP_000364.1, residues 225-245): LSFGARAELP[Arg235Gly]IHPVASKLLR

ClinVar aggregate classification (germline): Conflicting classifications of pathogenicity. Review status: criteria provided, conflicting classifications (1 of 4 stars). 2 submissions from 2 submitters: Uncertain significance (1); Likely benign (1). Last evaluated 2023-04-14.

Conditions:
Hereditary orotic aciduria, type 1. Also called: Orotic aciduria type 1; Oroticaciduria 1. Identifiers: MedGen C0268130.
Inborn genetic diseases. Identifiers: MedGen C0950123, MeSH D030342.

Allele frequency attached by ClinVar (database versions not stated): gnomAD 0.00001; gnomAD exomes 0.00001; TOPMed 0.00010.
gnomAD v4.1: 8 of 1,614,122 alleles (0.0005%); highest among the groups gnomAD compares: Admixed American, 0.01%; no homozygotes.

Submissions (2):

Ambry Genetics
Classification: Likely benign for Inborn genetic diseases. Last evaluated: 2023-04-14. Review status: criteria provided, single submitter. Criteria: Ambry Variant Classification Scheme 2023. Collection method: clinical testing. Allele origin: germline.

Labcorp Genetics (formerly Invitae), Labcorp
Classification: Uncertain significance for Hereditary orotic aciduria, type 1. Last evaluated: 2019-04-18. Review status: criteria provided, single submitter. Criteria: Invitae Variant Classification Sherloc (09022015). Collection method: clinical testing. Allele origin: germline.
Comment: This sequence change replaces arginine with glycine at codon 235 of the UMPS protein (p.Arg235Gly). The arginine residue is weakly conserved and there is a moderate physicochemical difference between arginine and glycine. In summary, the available evidence is currently insufficient to determine the role of this variant in disease. Therefore, it has been classified as a Variant of Uncertain Significance. This variant is not present in population databases (ExAC no frequency). This variant has not been reported in the literature in individuals with UMPS-related conditions. Algorithms developed to predict the effect of missense changes on protein structure and function output the following: SIFT: "Tolerated"; PolyPhen-2: "Benign"; Align-GVGD: "Class C0". The glycine amino acid residue is found in multiple mammalian species, suggesting that this missense change does not adversely affect protein function. These predictions have not been confirmed by published functional studies and their clinical significance is uncertain.